The following is an entry in ClinVar:

ClinVar aggregate classification (germline): Uncertain significance (1 of 4 stars; one submission).

Allele frequency attached by ClinVar (database versions not stated): gnomAD 0.00001; TOPMed 0.00001.
gnomAD v4.1: 1 of 1,613,192 alleles (0.000062%); highest among the groups gnomAD compares: Admixed American, 0.0017%; no homozygotes.

Submission:

Labcorp Genetics (formerly Invitae), Labcorp
Classification: Uncertain significance. Last evaluated: 2021-08-30. Review status: criteria provided, single submitter. Criteria: Invitae Variant Classification Sherloc (09022015). Collection method: clinical testing. Allele origin: germline.
Comment: This sequence change replaces glycine with valine at codon 197 of the GDF5 protein (p.Gly197Val). The glycine residue is highly conserved and there is a moderate physicochemical difference between glycine and valine. This variant is not present in population databases (ExAC no frequency). This variant has not been reported in the literature in individuals affected with GDF5-related conditions. Algorithms developed to predict the effect of missense changes on protein structure and function are either unavailable or do not agree on the potential impact of this missense change (SIFT: "Deleterious"; PolyPhen-2: "Probably Damaging"; Align-GVGD: "Class C0"). In summary, the available evidence is currently insufficient to determine the role of this variant in disease. Therefore, it has been classified as a Variant of Uncertain Significance.

NM_000557.5(GDF5):c.590G>T (p.Gly197Val)

Gene: GDF5 (growth differentiation factor 5; minus strand). Cytogenetic location: 20q11.22.
Variant type: single nucleotide variant.
Coding change: c.590G>T on transcript NM_000557.5 (MANE Select); coding-DNA position 590, G replaced by T.
Protein change: p.Gly197Val; replaces glycine 197 with valine.
Molecular consequence: missense variant.
Genome position (GRCh38, 1-based): chr20:35,437,339, C>A on the plus strand (G>T on the coding strand, the complement: GDF5 is on the minus strand). VCF-style: chr20-35437339-C-A. GRCh37 (hg19) VCF-style: chr20-34025119-C-A.
Other names: c.590G>T, p.Gly197Val (NM_001319138.2); short protein forms G197V.
Identifiers: ClinVar variation 1054565 (VCV001054565.6), dbSNP rs1195485139, ClinGen allele CA408743105.